The following is an entry in ClinVar:

ClinVar aggregate classification (germline): Uncertain significance (1 of 4 stars; one submission).

Conditions:
Inborn genetic diseases. Identifiers: MedGen C0950123, MeSH D030342.

Submission:

Ambry Genetics
Classification: Uncertain significance for Inborn genetic diseases. Last evaluated: 2025-05-07. Review status: criteria provided, single submitter. Criteria: Ambry Variant Classification Scheme 2023. Collection method: clinical testing. Allele origin: germline.
Comment: The p.V236I variant (also known as c.706G>A), located in coding exon 5 of the SBDS gene, results from a G to A substitution at nucleotide position 706. The valine at codon 236 is replaced by isoleucine, an amino acid with highly similar properties. This amino acid position is conserved. In addition, the in silico prediction for this alteration is inconclusive. Based on the available evidence, the clinical significance of this variant remains unclear.

NM_016038.4(SBDS):c.706G>A (p.Val236Ile)

Gene: SBDS (SBDS ribosome maturation factor; minus strand). Cytogenetic location: 7q11.21.
Variant type: single nucleotide variant.
Coding change: c.706G>A on transcript NM_016038.4 (MANE Select); coding-DNA position 706, G replaced by A.
Protein change: p.Val236Ile; replaces valine 236 with isoleucine.
Molecular consequence: missense variant.
Genome position (GRCh38, 1-based): chr7:66,988,418, C>T on the plus strand (G>A on the coding strand, the complement: SBDS is on the minus strand). VCF-style: chr7-66988418-C-T. GRCh37 (hg19) VCF-style: chr7-66453405-C-T.
Other names: short protein forms V236I.
Identifiers: ClinVar variation 3950320 (VCV003950320.1).